The following is an entry in ClinVar:

ClinVar aggregate classification (germline): Conflicting classifications of pathogenicity. Review status: criteria provided, conflicting classifications (1 of 4 stars). 4 submissions from 4 submitters: Uncertain significance (2); Benign (1); Likely benign (1). Last evaluated 2026-05-15.

Conditions:
Collagen 6-related myopathy. Identifiers: MedGen CN117976, MONDO:0100225.
Bethlem myopathy 1A. Also called: Bethlem Muscular Dystrophy; MYOPATHY, BENIGN CONGENITAL, WITH CONTRACTURES; Bethlem myopathy 1. Identifiers: Orphanet 610, MedGen CN029274, MONDO:0024530, OMIM 158810.

Allele frequency attached by ClinVar (database versions not stated): gnomAD 0.00010; ExAC 0.00008; ESP Exome Variant Server 0.00008; TOPMed 0.00014.
gnomAD v4.1: 128 of 1,613,996 alleles (0.0079%); highest among the groups gnomAD compares: Middle Eastern, 0.033%; no homozygotes.

Submissions (4):

GeneDx
Classification: Uncertain significance. Last evaluated: 2026-05-15. Review status: criteria provided, single submitter. Criteria: GeneDx Variant Classification Process June 2021. Collection method: clinical testing. Allele origin: germline.
Comment: Reported in an individual with Down syndrome and atrioventricular septal defect (PMID: 23040494); In silico analysis supports that this missense variant has a deleterious effect on protein structure/function; This variant is associated with the following publications: (PMID: 23040494)

Labcorp Genetics (formerly Invitae), Labcorp
Classification: Likely benign for Bethlem myopathy 1A. Last evaluated: 2025-12-22. Review status: criteria provided, single submitter. Criteria: Invitae Variant Classification Sherloc (09022015). Collection method: clinical testing. Allele origin: germline.

Revvity Omics, Revvity
Classification: Uncertain significance. Last evaluated: 2023-08-14. Review status: criteria provided, single submitter. Criteria: ACMG Guidelines, 2015. Collection method: clinical testing. Allele origin: germline.

Illumina Laboratory Services, Illumina
Classification: Benign for Collagen VI-related myopathy. Last evaluated: 2017-04-28. Review status: criteria provided, single submitter. Criteria: ICSL Variant Classification Criteria 13 December 2019. Collection method: clinical testing. Allele origin: germline.
Comment: This variant was observed as part of a predisposition screen in an ostensibly healthy population. A literature search was performed for the gene, cDNA change, and amino acid change (where applicable). No publications were found based on this search. Allele frequency data from public databases was too high to be consistent with this variant causing disease. Therefore, this variant is classified as benign.

NM_004369.4(COL6A3):c.6263C>T (p.Pro2088Leu)

Gene: COL6A3 (collagen type VI alpha 3 chain; minus strand). Cytogenetic location: 2q37.3.
Variant type: single nucleotide variant.
Coding change: c.6263C>T on transcript NM_004369.4 (MANE Select); coding-DNA position 6263, C replaced by T.
Protein change: p.Pro2088Leu; replaces proline 2088 with leucine.
Molecular consequence: missense variant.
Genome position (GRCh38, 1-based): chr2:237,360,107, G>A on the plus strand (C>T on the coding strand, the complement: COL6A3 is on the minus strand). VCF-style: chr2-237360107-G-A. GRCh37 (hg19) VCF-style: chr2-238268750-G-A.
Other names: c.4442C>T, p.Pro1481Leu (NM_057166.5); c.5645C>T, p.Pro1882Leu (NM_057167.4); short protein forms P2088L, P1481L, P1882L.
Identifiers: ClinVar variation 578278 (VCV000578278.14), dbSNP rs113896755, ClinGen allele CA2188390.